The following is an entry in ClinVar:

NM_014208.3(DSPP):c.508G>A (p.Ala170Thr)

Genes: DMP1-AS1 (DMP1 and DSPP antisense RNA 1; minus strand), DSPP (dentin sialophosphoprotein; plus strand). Cytogenetic location: 4q22.1.
Variant type: single nucleotide variant.
Coding change: c.508G>A on transcript NM_014208.3 (MANE Select); coding-DNA position 508, G replaced by A.
Protein change: p.Ala170Thr; replaces alanine 170 with threonine.
Molecular consequence: missense variant.
Genome position (GRCh38, 1-based): chr4:87,612,694, G>A. VCF-style: chr4-87612694-G-A. GRCh37 (hg19) VCF-style: chr4-88533846-G-A.
Other names: short protein forms A170T.
Identifiers: ClinVar variation 4699299 (VCV004699299.1).

ClinVar aggregate classification (germline): Uncertain significance (1 of 4 stars; one submission).

gnomAD v4.1: 1 of 1,614,202 alleles (0.000062%); highest among the groups gnomAD compares: Non-Finnish European, 0.000085%; no homozygotes.

Submission:

Labcorp Genetics (formerly Invitae), Labcorp
Classification: Uncertain significance. Last evaluated: 2025-02-27. Review status: criteria provided, single submitter. Criteria: Invitae Variant Classification Sherloc (09022015). Collection method: clinical testing. Allele origin: germline.
Comment: This sequence change replaces alanine, which is neutral and non-polar, with threonine, which is neutral and polar, at codon 170 of the DSPP protein (p.Ala170Thr). This variant is present in population databases (no rsID available, gnomAD 0.006%). This variant has not been reported in the literature in individuals affected with DSPP-related conditions. An algorithm developed to predict the effect of missense changes on protein structure and function outputs the following: PolyPhen-2: "Benign". The threonine amino acid residue is found in multiple mammalian species, which suggests that this missense change does not adversely affect protein function. In summary, the available evidence is currently insufficient to determine the role of this variant in disease. Therefore, it has been classified as a Variant of Uncertain Significance.